The following is an entry in ClinVar:

NM_139343.3(BIN1):c.544G>A (p.Ala182Thr)

Gene: BIN1 (bridging integrator 1; minus strand). Cytogenetic location: 2q14.3.
Variant type: single nucleotide variant.
Coding change: c.544G>A on transcript NM_139343.3 (MANE Select); coding-DNA position 544, G replaced by A.
Protein change: p.Ala182Thr; replaces alanine 182 with threonine.
Molecular consequence: missense variant. On other transcripts: intron variant (10).
Genome position (GRCh38, 1-based): chr2:127,068,231, C>T on the plus strand (G>A on the coding strand, the complement: BIN1 is on the minus strand). VCF-style: chr2-127068231-C-T. GRCh37 (hg19) VCF-style: chr2-127825807-C-T.
Other names: c.544G>A, p.Ala182Thr (NM_001320633.2, NM_001320640.2, NM_139344.3 and 1 more transcripts); c.463G>A, p.Ala155Thr (NM_001320642.1); c.447+693G>A (NM_001320634.1); c.519+693G>A (NM_139351.3, NM_139350.3, NM_139349.3 and 6 more transcripts); short protein forms A155T, A182T.
Identifiers: ClinVar variation 1038931 (VCV001038931.6), dbSNP rs779607755, ClinGen allele CA1857438.

ClinVar aggregate classification (germline): Uncertain significance (1 of 4 stars; one submission).

Conditions:
Myopathy, centronuclear, 2 (CNM2). Also called: MYOTUBULAR MYOPATHY, AUTOSOMAL RECESSIVE. Identifiers: Orphanet 169186, MedGen CN031787, MONDO:0009709, OMIM 255200.

Allele frequency attached by ClinVar (database versions not stated): ExAC 0.00003; gnomAD 0.00003; gnomAD exomes 0.00001; TOPMed 0.00003.

Submission:

Labcorp Genetics (formerly Invitae), Labcorp
Classification: Uncertain significance for Myopathy, centronuclear, 2. Last evaluated: 2025-11-03. Review status: criteria provided, single submitter. Criteria: Invitae Variant Classification Sherloc (09022015). Collection method: clinical testing. Allele origin: germline.
Comment: This sequence change replaces alanine, which is neutral and non-polar, with threonine, which is neutral and polar, at codon 182 of the BIN1 protein (p.Ala182Thr). This variant is present in population databases (rs779607755, gnomAD 0.003%). This variant has not been reported in the literature in individuals affected with BIN1-related conditions. ClinVar contains an entry for this variant (Variation ID: 1038931). An algorithm developed to predict the effect of missense changes on protein structure and function (PolyPhen-2) suggests that this variant is likely to be disruptive. In summary, the available evidence is currently insufficient to determine the role of this variant in disease. Therefore, it has been classified as a Variant of Uncertain Significance.